The following is an entry in ClinVar:

ClinVar aggregate classification (germline): Benign. Review status: criteria provided, multiple submitters, no conflicts (2 of 4 stars). 2 submissions from 2 submitters: Benign (2). Last evaluated 2021-02-24.

Allele frequency attached by ClinVar (database versions not stated): 1000 Genomes Project 30x 0.06012; 1000 Genomes Project 0.06070; TOPMed 0.08295; gnomAD 0.08558 and 0.08596; ESP Exome Variant Server 0.09411.
gnomAD v4.1: 179,644 of 1,610,592 alleles (11%); highest among the groups gnomAD compares: Middle Eastern, 19%; 11,220 homozygotes.

Submissions (2):

GeneDx
Classification: Benign. Last evaluated: 2021-02-24. Review status: criteria provided, single submitter. Criteria: GeneDx Variant Classification Process June 2021. Collection method: clinical testing. Allele origin: germline. Affected: yes.
Comment: This variant is associated with the following publications: (PMID: 28171541)

Breakthrough Genomics
Classification: Benign. Review status: criteria provided, single submitter. Criteria: ACMG Guidelines, 2015. Collection method: not provided. Allele origin: germline. Inheritance: Unknown mechanism. Affected: yes.

NM_001098272.3(HMGCS1):c.1149G>A (p.Leu383=)

Gene: HMGCS1 (3-hydroxy-3-methylglutaryl-CoA synthase 1; minus strand). Cytogenetic location: 5p12.
Variant type: single nucleotide variant.
Coding change: c.1149G>A on transcript NM_001098272.3 (MANE Select); coding-DNA position 1149, G replaced by A.
Protein change: p.Leu383=; no amino-acid change (leucine 383 retained).
Molecular consequence: synonymous variant.
Genome position (GRCh38, 1-based): chr5:43,294,090, C>T on the plus strand (G>A on the coding strand, the complement: HMGCS1 is on the minus strand). VCF-style: chr5-43294090-C-T. GRCh37 (hg19) VCF-style: chr5-43294192-C-T.
Other names: c.1149G>A, p.Leu383= (NM_001324219.2, NM_001324220.2, NM_001330663.2 and 2 more transcripts); c.1023G>A, p.Leu341= (NM_001324222.2, NM_001324223.2, NM_001324224.2).
Identifiers: ClinVar variation 1259973 (VCV001259973.3), dbSNP rs56257144, ClinGen allele CA3256140.